The following is an entry in ClinVar:

ClinVar aggregate classification (germline): Uncertain significance. Review status: criteria provided, multiple submitters, no conflicts (2 of 4 stars). 3 submissions from 3 submitters: Uncertain significance (2). 1 of the submissions does not count toward it. Last evaluated 2025-12-08.

Conditions:
Hereditary nonpolyposis colorectal neoplasms. Identifiers: MedGen C0009405, MeSH D003123.
Hereditary cancer-predisposing syndrome. Also called: Tumor predisposition; Hereditary neoplastic syndrome; Hereditary Cancer Syndrome; Neoplastic Syndromes, Hereditary. Identifiers: Orphanet 140162, MedGen C0027672, MeSH D009386, MONDO:0015356.
Malignant tumor of breast. Also called: Malignant breast neoplasm; Cancer breast. Identifiers: MedGen C0006142, MONDO:0007254. Disease mechanism: loss of function.

Submissions (3):

Labcorp Genetics (formerly Invitae), Labcorp
Classification: Uncertain significance for Hereditary nonpolyposis colorectal neoplasms. Last evaluated: 2025-12-08. Review status: criteria provided, single submitter. Criteria: Invitae Variant Classification Sherloc (09022015). Collection method: clinical testing. Allele origin: germline.
Comment: This sequence change replaces serine, which is neutral and polar, with leucine, which is neutral and non-polar, at codon 156 of the MSH6 protein (p.Ser156Leu). This variant is not present in population databases (gnomAD no frequency). This variant has not been reported in the literature in individuals affected with MSH6-related conditions. ClinVar contains an entry for this variant (Variation ID: 1049095). Invitae Evidence Modeling of protein sequence and biophysical properties (such as structural, functional, and spatial information, amino acid conservation, physicochemical variation, residue mobility, and thermodynamic stability) indicates that this missense variant is not expected to disrupt MSH6 protein function with a negative predictive value of 95%. In summary, the available evidence is currently insufficient to determine the role of this variant in disease. Therefore, it has been classified as a Variant of Uncertain Significance.

Ambry Genetics
Classification: Uncertain significance for Hereditary cancer-predisposing syndrome. Last evaluated: 2023-10-19. Review status: criteria provided, single submitter. Criteria: Ambry Variant Classification Scheme 2023. Collection method: clinical testing. Allele origin: germline.
Comment: The p.S156L variant (also known as c.467C>T), located in coding exon 3 of the MSH6 gene, results from a C to T substitution at nucleotide position 467. The serine at codon 156 is replaced by leucine, an amino acid with dissimilar properties. This variant was observed in 1/3251 individuals who met eligibility criteria for hereditary breast and ovarian cancer syndrome (Lerner-Ellis J et al. J Cancer Res Clin Oncol, 2021 Mar;147:871-879). This amino acid position is not well conserved in available vertebrate species. In addition, this alteration is predicted to be tolerated by in silico analysis. Since supporting evidence is limited at this time, the clinical significance of this alteration remains unclear.

Department of Pathology and Laboratory Medicine, Sinai Health System
Classification: Uncertain significance for Malignant tumor of breast. Review status: no assertion criteria provided. Collection method: clinical testing. Allele origin: unknown. Affected: yes. Study: The Canadian Open Genetics Repository (COGR). Not counted in ClinVar's aggregate classification.
Comment: The MSH6 p.Ser156Leu variant was not identified in the literature nor was it identified in ClinVar, Cosmic, MutDB, UMD-LSDB, Insight Colon Cancer Gene Variant Database, Zhejiang Colon Cancer Database, Mismatch Repair Genes Variant Database, or Insight Hereditary Tumors Database. The variant was not identified in the following control databases: the Exome Aggregation Consortium (August 8th 2016), or the Genome Aggregation Database (Feb 27, 2017). The p.Ser156 residue is not conserved in mammals and 4 of 5 computational analyses (PolyPhen-2, SIFT, AlignGVGD, BLOSUM, MutationTaster) do not suggest a high likelihood of impact to the protein; however, this information is not predictive enough to rule out pathogenicity. In summary, based on the above information the clinical significance of this variant cannot be determined with certainty at this time. This variant is classified as a variant of uncertain significance.

Literature cited by the submitters: PubMed 32885271 (cited by Ambry Genetics).

NM_000179.3(MSH6):c.467C>T (p.Ser156Leu)

Gene: MSH6 (mutS homolog 6; plus strand). Cytogenetic location: 2p16.3.
Variant type: single nucleotide variant.
Coding change: c.467C>T on transcript NM_000179.3 (MANE Select); coding-DNA position 467, C replaced by T.
Protein change: p.Ser156Leu; replaces serine 156 with leucine.
Molecular consequence: missense variant. On other transcripts: 5 prime UTR variant (1), intron variant (2).
Genome position (GRCh38, 1-based): chr2:47,795,903, C>T. VCF-style: chr2-47795903-C-T. GRCh37 (hg19) VCF-style: chr2-48023042-C-T.
Other names: c.-436C>T (NM_001281494.2); c.-279-2708C>T (NM_001281493.2); c.238-2708C>T (NM_001281492.2); c.467C>T (NM_000179.2); short protein forms S156L.
Identifiers: ClinVar variation 1049095 (VCV001049095.6), dbSNP rs63749873, ClinGen allele CA346738576.